The following is an entry in ClinVar:

NM_000179.3(MSH6):c.1997C>A (p.Ser666Tyr)

Gene: MSH6 (mutS homolog 6; plus strand). Cytogenetic location: 2p16.3.
Variant type: single nucleotide variant.
Coding change: c.1997C>A on transcript NM_000179.3 (MANE Select); coding-DNA position 1997, C replaced by A.
Protein change: p.Ser666Tyr; replaces serine 666 with tyrosine.
Molecular consequence: missense variant.
Genome position (GRCh38, 1-based): chr2:47,799,980, C>A. VCF-style: chr2-47799980-C-A. GRCh37 (hg19) VCF-style: chr2-48027119-C-A.
Other names: c.1607C>A, p.Ser536Tyr (NM_001281492.2); c.1091C>A, p.Ser364Tyr (NM_001281493.2, NM_001281494.2); short protein forms S666Y, S364Y, S536Y.
Identifiers: ClinVar variation 627999 (VCV000627999.11), dbSNP rs760494271, ClinGen allele CA346750659.

ClinVar aggregate classification (germline): Uncertain significance. Review status: criteria provided, multiple submitters, no conflicts (2 of 4 stars). 2 submissions from 2 submitters: Uncertain significance (2). Last evaluated 2022-07-25.

Conditions:
Hereditary nonpolyposis colorectal neoplasms. Identifiers: MedGen C0009405, MeSH D003123.
Hereditary cancer-predisposing syndrome. Also called: Neoplastic Syndromes, Hereditary; Tumor predisposition; Hereditary neoplastic syndrome; Hereditary Cancer Syndrome. Identifiers: Orphanet 140162, MedGen C0027672, MeSH D009386, MONDO:0015356.

Submissions (2):

Labcorp Genetics (formerly Invitae), Labcorp
Classification: Uncertain significance for Hereditary nonpolyposis colorectal neoplasms. Last evaluated: 2022-07-25. Review status: criteria provided, single submitter. Criteria: Invitae Variant Classification Sherloc (09022015). Collection method: clinical testing. Allele origin: germline.
Comment: In summary, the available evidence is currently insufficient to determine the role of this variant in disease. Therefore, it has been classified as a Variant of Uncertain Significance. Advanced modeling of protein sequence and biophysical properties (such as structural, functional, and spatial information, amino acid conservation, physicochemical variation, residue mobility, and thermodynamic stability) performed at Invitae indicates that this missense variant is not expected to disrupt MSH6 protein function. ClinVar contains an entry for this variant (Variation ID: 627999). This variant has not been reported in the literature in individuals affected with MSH6-related conditions. This variant is not present in population databases (gnomAD no frequency). This sequence change replaces serine, which is neutral and polar, with tyrosine, which is neutral and polar, at codon 666 of the MSH6 protein (p.Ser666Tyr).

Color Diagnostics, LLC DBA Color Health
Classification: Uncertain significance for Hereditary cancer-predisposing syndrome. Last evaluated: 2018-09-20. Review status: criteria provided, single submitter. Criteria: ACMG Guidelines, 2015. Collection method: clinical testing. Allele origin: germline.